The following is an entry in ClinVar:

NM_032578.4(MYPN):c.1382C>T (p.Ala461Val)

Gene: MYPN (myopalladin; plus strand). Cytogenetic location: 10q21.3.
Variant type: single nucleotide variant.
Coding change: c.1382C>T on transcript NM_032578.4 (MANE Select); coding-DNA position 1382, C replaced by T.
Protein change: p.Ala461Val; replaces alanine 461 with valine.
Molecular consequence: missense variant. On other transcripts: non-coding transcript variant (2).
Genome position (GRCh38, 1-based): chr10:68,158,550, C>T. VCF-style: chr10-68158550-C-T. GRCh37 (hg19) VCF-style: chr10-69918307-C-T.
Other names: c.1382C>T, p.Ala461Val (NM_001256267.2); c.500C>T, p.Ala167Val (NM_001256268.2); short protein forms A461V, A167V.
Identifiers: ClinVar variation 1771317 (VCV001771317.3), dbSNP rs1564669650, ClinGen allele CA376834582.

ClinVar aggregate classification (germline): Uncertain significance (1 of 4 stars; one submission).

Conditions:
Cardiovascular phenotype. Identifiers: MedGen CN230736.

Allele frequency attached by ClinVar (database versions not stated): gnomAD exomes below 0.00001.
gnomAD v4.1: 3 of 1,612,842 alleles (0.00019%); highest among the groups gnomAD compares: Non-Finnish European, 0.00025%; no homozygotes.

Submission:

Ambry Genetics
Classification: Uncertain significance for Cardiovascular phenotype. Last evaluated: 2025-07-21. Review status: criteria provided, single submitter. Criteria: Ambry Variant Classification Scheme 2023. Collection method: clinical testing. Allele origin: germline.
Comment: The p.A461V variant (also known as c.1382C>T), located in coding exon 6 of the MYPN gene, results from a C to T substitution at nucleotide position 1382. The alanine at codon 461 is replaced by valine, an amino acid with similar properties. This amino acid position is conserved. In addition, this alteration is predicted to be tolerated by in silico analysis. Since supporting evidence is limited at this time, the clinical significance of this alteration remains unclear.